The following is an entry in ClinVar:

ClinVar aggregate classification (germline): Uncertain significance (1 of 4 stars; one submission).

Conditions:
POLD1-related polyposis and colorectal cancer syndrome (CRCS10). Also called: Colorectal cancer, susceptibility to, 10; Colorectal cancer 10; COLORECTAL CANCER, SUSCEPTIBILITY TO, ON CHROMOSOME 19q. Identifiers: Orphanet 220460, MedGen C2675481, MONDO:0012953, OMIM 612591.

Submission:

Labcorp Genetics (formerly Invitae), Labcorp
Classification: Uncertain significance for POLD1-related polyposis and colorectal cancer syndrome. Last evaluated: 2022-08-23. Review status: criteria provided, single submitter. Criteria: Invitae Variant Classification Sherloc (09022015). Collection method: clinical testing. Allele origin: germline.
Comment: Algorithms developed to predict the effect of sequence changes on RNA splicing suggest that this variant may create or strengthen a splice site. In summary, the available evidence is currently insufficient to determine the role of this variant in disease. Therefore, it has been classified as a Variant of Uncertain Significance. Algorithms developed to predict the effect of missense changes on protein structure and function are either unavailable or do not agree on the potential impact of this missense change (SIFT: "Deleterious"; PolyPhen-2: "Probably Damaging"; Align-GVGD: "Class C15"). ClinVar contains an entry for this variant (Variation ID: 658654). This variant has not been reported in the literature in individuals affected with POLD1-related conditions. This variant is not present in population databases (gnomAD no frequency). This sequence change replaces aspartic acid, which is acidic and polar, with tyrosine, which is neutral and polar, at codon 332 of the POLD1 protein (p.Asp332Tyr).

NM_002691.4(POLD1):c.994G>T (p.Asp332Tyr)

Gene: POLD1 (DNA polymerase delta 1, catalytic subunit; plus strand). Cytogenetic location: 19q13.33.
Variant type: single nucleotide variant.
Coding change: c.994G>T on transcript NM_002691.4 (MANE Select); coding-DNA position 994, G replaced by T.
Protein change: p.Asp332Tyr; replaces aspartic acid 332 with tyrosine.
Molecular consequence: missense variant. On other transcripts: non-coding transcript variant (1).
Genome position (GRCh38, 1-based): chr19:50,403,076, G>T. VCF-style: chr19-50403076-G-T. GRCh37 (hg19) VCF-style: chr19-50906333-G-T.
Other names: c.994G>T, p.Asp332Tyr (NM_001256849.1, NM_001308632.1); short protein forms D332Y.
Identifiers: ClinVar variation 658654 (VCV000658654.8), dbSNP rs1601204080, ClinGen allele CA406977830.